The following is an entry in ClinVar:

NM_021096.4(CACNA1I):c.5493C>T (p.His1831=)

Gene: CACNA1I (calcium voltage-gated channel subunit alpha1 I; plus strand). Cytogenetic location: 22q13.1.
Variant type: single nucleotide variant.
Coding change: c.5493C>T on transcript NM_021096.4 (MANE Select); coding-DNA position 5493, C replaced by T.
Protein change: p.His1831=; no amino-acid change (histidine 1831 retained).
Molecular consequence: synonymous variant.
Genome position (GRCh38, 1-based): chr22:39,679,820, C>T. VCF-style: chr22-39679820-C-T. GRCh37 (hg19) VCF-style: chr22-40075825-C-T.
Other names: c.5388C>T, p.His1796= (NM_001003406.2).
Identifiers: ClinVar variation 3035803 (VCV003035803.2), dbSNP rs185172214, ClinGen allele CA10244990.

ClinVar aggregate classification (germline): Benign (0 of 4 stars; one submission).

Conditions:
CACNA1I-related disorder. Also called: CACNA1I-related condition.

Allele frequency attached by ClinVar (database versions not stated): ExAC 0.00083; gnomAD 0.00273; 1000 Genomes Project 0.00280; ESP Exome Variant Server 0.00281; TOPMed 0.00308; 1000 Genomes Project 30x 0.00312.

Submission:

PreventionGenetics, part of Exact Sciences
Classification: Benign for CACNA1I-related condition. Last evaluated: 2019-08-12. Review status: no assertion criteria provided. Collection method: clinical testing. Allele origin: germline.
Comment: This variant is classified as benign based on ACMG/AMP sequence variant interpretation guidelines (Richards et al. 2015 PMID: 25741868, with internal and published modifications).